The following is an entry in ClinVar:

NM_000061.3(BTK):c.232C>T (p.Gln78Ter)

Gene: BTK (Bruton tyrosine kinase; minus strand). Cytogenetic location: Xq22.1.
Variant type: single nucleotide variant.
Coding change: c.232C>T on transcript NM_000061.3 (MANE Select); coding-DNA position 232, C replaced by T.
Protein change: p.Gln78Ter; replaces glutamine 78 with a stop codon.
Molecular consequence: nonsense.
Genome position (GRCh38, 1-based): chrX:101,374,544, G>A on the plus strand (C>T on the coding strand, the complement: BTK is on the minus strand). VCF-style: chrX-101374544-G-A. GRCh37 (hg19) VCF-style: chrX-100629532-G-A.
Other names: c.334C>T, p.Gln112Ter (NM_001287344.2); c.232C>T, p.Gln78Ter (NM_001287345.2); short protein forms Q78*, Q112*.
Identifiers: ClinVar variation 658193 (VCV000658193.9), dbSNP rs1603019535, ClinGen allele CA413938666.

ClinVar aggregate classification (germline): Pathogenic (1 of 4 stars; one submission).

Conditions:
X-linked agammaglobulinemia with growth hormone deficiency (IGHD3). Also called: ISOLATED GROWTH HORMONE DEFICIENCY, TYPE III, WITH AGAMMAGLOBULINEMIA; FLEISHER SYNDROME; HYPOGAMMAGLOBULINEMIA AND ISOLATED GROWTH HORMONE DEFICIENCY, X-LINKED; IGHD III; Isolated growth hormone deficiency type 3; Growth hormone deficiency with hypogammaglobulinemia. Identifiers: Orphanet 231692, Orphanet 631, MedGen C0472813, MONDO:0010615, OMIM 307200.

Submission:

Labcorp Genetics (formerly Invitae), Labcorp
Classification: Pathogenic for X-linked agammaglobulinemia with growth hormone deficiency. Last evaluated: 2022-06-04. Review status: criteria provided, single submitter. Criteria: Invitae Variant Classification Sherloc (09022015). Collection method: clinical testing. Allele origin: germline.
Comment: For these reasons, this variant has been classified as Pathogenic. ClinVar contains an entry for this variant (Variation ID: 658193). This premature translational stop signal has been observed in individual(s) with X-linked recessive agammaglobulinemia (PMID: 8090769). This variant is not present in population databases (gnomAD no frequency). This sequence change creates a premature translational stop signal (p.Gln78*) in the BTK gene. It is expected to result in an absent or disrupted protein product. Loss-of-function variants in BTK are known to be pathogenic (PMID: 15661032, 16862044, 19419768).

Literature cited by the submitters: PubMed 8090769; PubMed 15661032; PubMed 16862044; PubMed 19419768.